The following is an entry in ClinVar:

ClinVar aggregate classification (germline): Uncertain significance. Review status: criteria provided, multiple submitters, no conflicts (2 of 4 stars). 2 submissions from 2 submitters: Uncertain significance (2). Last evaluated 2025-08-15.

Conditions:
Inborn genetic diseases. Identifiers: MedGen C0950123, MeSH D030342.

Allele frequency attached by ClinVar (database versions not stated): ExAC 0.00002.

Submissions (2):

GeneDx
Classification: Uncertain significance. Last evaluated: 2025-08-15. Review status: criteria provided, single submitter. Criteria: GeneDx Variant Classification Process June 2021. Collection method: clinical testing. Allele origin: germline. Affected: yes.
Comment: Not observed at significant frequency in large population cohorts (gnomAD); In silico analysis supports that this missense variant has a deleterious effect on protein structure/function; Has not been previously published as pathogenic or benign to our knowledge

Ambry Genetics
Classification: Uncertain significance for Inborn genetic diseases. Last evaluated: 2023-01-23. Review status: criteria provided, single submitter. Criteria: Ambry Variant Classification Scheme 2023. Collection method: clinical testing. Allele origin: germline.

NM_032229.3(SLITRK6):c.1048C>G (p.Arg350Gly)

Gene: SLITRK6 (SLIT and NTRK like family member 6; minus strand). Cytogenetic location: 13q31.1.
Variant type: single nucleotide variant.
Coding change: c.1048C>G on transcript NM_032229.3 (MANE Select); coding-DNA position 1048, C replaced by G.
Protein change: p.Arg350Gly; replaces arginine 350 with glycine.
Molecular consequence: missense variant.
Genome position (GRCh38, 1-based): chr13:85,795,461, G>C on the plus strand (C>G on the coding strand, the complement: SLITRK6 is on the minus strand). VCF-style: chr13-85795461-G-C. GRCh37 (hg19) VCF-style: chr13-86369596-G-C.
Other names: short protein forms R350G.
Identifiers: ClinVar variation 2462851 (VCV002462851.3), dbSNP rs200364181, ClinGen allele CA7015177.